The following is an entry in ClinVar:

ClinVar aggregate classification (germline): Pathogenic (1 of 4 stars; one submission).

Conditions:
Sulfite oxidase deficiency due to molybdenum cofactor deficiency type C. Also called: Molybdenum cofactor deficiency, complementation group C; Molybdenum cofactor deficiency C. Identifiers: Orphanet 308400, Orphanet 833, MedGen C1854990, MONDO:0014212, OMIM 615501.

Submission:

Labcorp Genetics (formerly Invitae), Labcorp
Classification: Pathogenic for Sulfite oxidase deficiency due to molybdenum cofactor deficiency type C. Last evaluated: 2022-10-25. Review status: criteria provided, single submitter. Criteria: Invitae Variant Classification Sherloc (09022015). Collection method: clinical testing. Allele origin: germline.
Comment: This variant is a gross deletion of the genomic region encompassing exon(s) 3-4 of the GPHN gene. This deletion is out-of-frame, and is expected to create a premature termination codon and result in an absent or disrupted protein product. Loss-of-function variants in GPHN are known to be pathogenic (PMID: 11095995, 23184456, 23393157). A similar copy number variant has been observed in individual(s) with clinical features of GPHN-related conditions (PMID: 31780880). For these reasons, this variant has been classified as Pathogenic.

Literature cited by the submitters: PubMed 11095995; PubMed 23184456; PubMed 23393157; PubMed 31780880.

NC_000014.8:g.(?_67243172)_(67291294_?)del

Gene: GPHN (gephyrin; plus strand). Cytogenetic location: 14q23.3.
Variant type: Deletion.
Identifiers: ClinVar variation 1075236 (VCV001075236.2).